The following is an entry in ClinVar:

ClinVar aggregate classification (germline): Uncertain significance (1 of 4 stars; one submission).

gnomAD v4.1: 1 of 1,613,550 alleles (0.000062%); highest among the groups gnomAD compares: Non-Finnish European, 0.000085%; no homozygotes.

Submission:

GeneDx
Classification: Uncertain significance. Last evaluated: 2024-07-25. Review status: criteria provided, single submitter. Criteria: GeneDx Variant Classification Process June 2021. Collection method: clinical testing. Allele origin: germline. Affected: yes.
Comment: Not observed at significant frequency in large population cohorts (gnomAD); In silico analysis supports that this missense variant has a deleterious effect on protein structure/function; Has not been previously published as pathogenic or benign to our knowledge

NM_001792.5(CDH2):c.2624C>T (p.Ser875Phe)

Genes: CDH2 (cadherin 2; minus strand), CDH2-AS1 (CDH2 antisense RNA 1; plus strand). Cytogenetic location: 18q12.1.
Variant type: single nucleotide variant.
Coding change: c.2624C>T on transcript NM_001792.5 (MANE Select); coding-DNA position 2624, C replaced by T.
Protein change: p.Ser875Phe; replaces serine 875 with phenylalanine.
Molecular consequence: missense variant.
Genome position (GRCh38, 1-based): chr18:27,952,250, G>A on the plus strand (C>T on the coding strand, the complement: CDH2 is on the minus strand). VCF-style: chr18-27952250-G-A. GRCh37 (hg19) VCF-style: chr18-25532214-G-A.
Other names: c.2531C>T, p.Ser844Phe (NM_001308176.2); short protein forms S844F, S875F.
Identifiers: ClinVar variation 3600976 (VCV003600976.1).